The following is an entry in ClinVar:

NM_001035.3(RYR2):c.13261-218G>C

Gene: RYR2 (ryanodine receptor 2; plus strand). Cytogenetic location: 1q43.
Variant type: single nucleotide variant.
Coding change: c.13261-218G>C on transcript NM_001035.3 (MANE Select); 218 bases into the intron before coding-DNA position 13261, G replaced by C.
Molecular consequence: intron variant.
Genome position (GRCh38, 1-based): chr1:237,785,751, G>C. VCF-style: chr1-237785751-G-C. GRCh37 (hg19) VCF-style: chr1-237949051-G-C.
Identifiers: ClinVar variation 672105 (VCV000672105.1), dbSNP rs71644906, ClinGen allele CA10934879.

ClinVar aggregate classification (germline): Benign (1 of 4 stars; one submission).

Allele frequency attached by ClinVar (database versions not stated): TOPMed 0.02625; gnomAD 0.02983 and 0.03070; 1000 Genomes Project 30x 0.03186; 1000 Genomes Project 0.03275.
gnomAD v4.1: 4,650 of 152,276 alleles (3.1%); highest among the groups gnomAD compares: East Asian, 5%; 96 homozygotes.

Submission:

GeneDx
Classification: Benign. Last evaluated: 2018-06-19. Review status: criteria provided, single submitter. Criteria: GeneDx Variant Classification (06012015). Collection method: clinical testing. Allele origin: germline. Affected: yes.
Comment: This variant is considered likely benign or benign based on one or more of the following criteria: it is a conservative change, it occurs at a poorly conserved position in the protein, it is predicted to be benign by multiple in silico algorithms, and/or has population frequency not consistent with disease.